The following is an entry in ClinVar:

NC_000007.14:g.(?_6008987)_(6009029_?)del

Gene: PMS2 (PMS1 homolog 2, mismatch repair system component; minus strand). Cytogenetic location: 7p22.1.
Variant type: Deletion.
Identifiers: ClinVar variation 584392 (VCV000584392.3).

ClinVar aggregate classification (germline): Pathogenic (1 of 4 stars; one submission).

Conditions:
Hereditary nonpolyposis colorectal neoplasms. Identifiers: MedGen C0009405, MeSH D003123.

Submission:

Labcorp Genetics (formerly Invitae), Labcorp
Classification: Pathogenic for Hereditary nonpolyposis colon cancer. Last evaluated: 2019-05-24. Review status: criteria provided, single submitter. Criteria: Invitae Variant Classification Sherloc (09022015). Collection method: clinical testing. Allele origin: germline.
Comment: This variant is a gross deletion of the genomic region encompassing exon 1 of the PMS2 gene, which includes the initiator codon. The 5' end of this event is unknown as it extends beyond the assayed region for this gene and therefore may encompass additional genes. The 3' boundary is likely confined to intron 1 of the PMS2 gene. This is expected to result in an absent or disrupted protein product. Loss-of-function variants in PMS2 are known to be pathogenic. A deletion of exon 1 has been reported in the literature in an individual with colorectal cancer (PMID: 18809606, 18602922), and was observed in trans with a second pathogenic PMS2 variant (c.24-12_107del96insAAAT) in two siblings with phenotypes consistent with constitutional mismatch repair-deficiency (PMID: 24068316). For these reasons, this variant has been classified as Pathogenic.

Literature cited by the submitters: PubMed 24068316; PubMed 18809606; PubMed 18602922.